The following is an entry in ClinVar:

ClinVar aggregate classification (germline): Likely pathogenic (1 of 4 stars; one submission).

Submission:

GeneDx
Classification: Likely pathogenic. Last evaluated: 2015-06-29. Review status: criteria provided, single submitter. Criteria: GeneDx Variant Classification (06012015). Collection method: clinical testing. Allele origin: germline. Affected: yes.
Comment: The A1792D variant has not been published as a pathogenic variant, nor has it been reported as a benign polymorphism to our knowledge. It was not observed in approximately 6,500 individuals of European and African American ancestry in the NHLBI Exome Sequencing Project, indicating it is not a common benign variant in these populations. The A1492D variant is a non-conservative amino acid substitution, which is likely to impact secondary protein structure as these residues differ in polarity, charge, size and/or other properties. This substitution occurs at a position that is highly conserved across species, and different missense variants at the same codon (A1792T, A1792G) as well as missense variants in nearby residues (E1787K, E1795K) have been reported in the Human Gene Mutation Database in association with SCN1A-related disorders (Stenson et al., 2014), supporting the functional importance of this region of the protein. In silico analysis predicts this variant is probably damaging to the protein structure/function. Therefore, this variant is a strong candidate for a pathogenic variant, however the possibility that it is a benign variant cannot be excluded.

NM_001165963.4(SCN1A):c.5375C>A (p.Ala1792Asp)

Genes: SCN1A (sodium voltage-gated channel alpha subunit 1; minus strand), LOC102724058 (uncharacterized LOC102724058; plus strand). Cytogenetic location: 2q24.3.
Variant type: single nucleotide variant.
Coding change: c.5375C>A on transcript NM_001165963.4 (MANE Select); coding-DNA position 5375, C replaced by A.
Protein change: p.Ala1792Asp; replaces alanine 1792 with aspartic acid.
Molecular consequence: missense variant. On other transcripts: non-coding transcript variant (1).
Genome position (GRCh38, 1-based): chr2:165,991,900, G>T on the plus strand (C>A on the coding strand, the complement: SCN1A is on the minus strand). VCF-style: chr2-165991900-G-T. GRCh37 (hg19) VCF-style: chr2-166848410-G-T.
Other names: c.5291C>A, p.Ala1764Asp (NM_001165964.3, NM_001353957.2, NM_001353958.2); c.5375C>A, p.Ala1792Asp (NM_001202435.3, NM_001353948.2); c.5342C>A, p.Ala1781Asp (NM_001353949.2, NM_001353950.2, NM_001353951.2 and 2 more transcripts); c.5339C>A, p.Ala1780Asp (NM_001353954.2, NM_001353955.2); c.5288C>A, p.Ala1763Asp (NM_001353960.2); c.2933C>A, p.Ala978Asp (NM_001353961.2); short protein forms A1781D, A1792D, A1764D, A1763D, A1780D, A978D.
Identifiers: ClinVar variation 427073 (VCV000427073.2), dbSNP rs1085307942, ClinGen allele CA349067916.